The following is an entry in ClinVar:

ClinVar aggregate classification (germline): Uncertain significance. Review status: criteria provided, multiple submitters, no conflicts (2 of 4 stars). 3 submissions from 3 submitters: Uncertain significance (3). Last evaluated 2026-07-06.

Conditions:
Familial adenomatous polyposis 1 (FAP1). Also called: POLYPOSIS, ADENOMATOUS INTESTINAL; FAMILIAL ADENOMATOUS POLYPOSIS 1, ATTENUATED. Identifiers: MedGen C2713442, MONDO:0021056, OMIM 175100. Disease mechanism: loss of function.
Hereditary cancer-predisposing syndrome. Also called: Tumor predisposition; Hereditary Cancer Syndrome; Hereditary neoplastic syndrome; Neoplastic Syndromes, Hereditary. Identifiers: Orphanet 140162, MedGen C0027672, MeSH D009386, MONDO:0015356.

Allele frequency attached by ClinVar (database versions not stated): gnomAD exomes below 0.00001.
gnomAD v4.1: 1 of 1,614,150 alleles (0.000062%); highest among the groups gnomAD compares: Non-Finnish European, 0.000085%; no homozygotes.

Submissions (3):

Ambry Genetics
Classification: Uncertain significance for Hereditary cancer-predisposing syndrome. Last evaluated: 2026-07-06. Review status: criteria provided, single submitter. Criteria: Ambry Variant Classification Scheme 2023. Collection method: clinical testing. Allele origin: germline.
Comment: The p.A719P variant (also known as c.2155G>C), located in coding exon 15 of the APC gene, results from a G to C substitution at nucleotide position 2155. The alanine at codon 719 is replaced by proline, an amino acid with highly similar properties. This amino acid position is conserved. In addition, in silico predictors for this gene do not accurately predict pathogenicity. Based on the available evidence, the clinical significance of this variant remains unclear.

GeneDx
Classification: Uncertain significance. Last evaluated: 2025-05-19. Review status: criteria provided, single submitter. Criteria: GeneDx Variant Classification Process June 2021. Collection method: clinical testing. Allele origin: germline. Affected: yes.
Comment: Not observed at significant frequency in large population cohorts (gnomAD); In silico analysis supports that this missense variant has a deleterious effect on protein structure/function; Has not been previously published as pathogenic or benign to our knowledge; This variant is associated with the following publications: (PMID: 18199528)

Labcorp Genetics (formerly Invitae), Labcorp
Classification: Uncertain significance for Familial adenomatous polyposis 1. Last evaluated: 2025-03-12. Review status: criteria provided, single submitter. Criteria: Invitae Variant Classification Sherloc (09022015). Collection method: clinical testing. Allele origin: germline.
Comment: This sequence change replaces alanine, which is neutral and non-polar, with proline, which is neutral and non-polar, at codon 719 of the APC protein (p.Ala719Pro). This variant is present in population databases (no rsID available, gnomAD 0.0009%). This variant has not been reported in the literature in individuals affected with APC-related conditions. ClinVar contains an entry for this variant (Variation ID: 1057433). Invitae Evidence Modeling of protein sequence and biophysical properties (such as structural, functional, and spatial information, amino acid conservation, physicochemical variation, residue mobility, and thermodynamic stability) indicates that this missense variant is not expected to disrupt APC protein function with a negative predictive value of 95%. In summary, the available evidence is currently insufficient to determine the role of this variant in disease. Therefore, it has been classified as a Variant of Uncertain Significance.

NM_000038.6(APC):c.2155G>C (p.Ala719Pro)

Gene: APC (APC regulator of Wnt signaling pathway; plus strand). Cytogenetic location: 5q22.2.
Variant type: single nucleotide variant.
Coding change: c.2155G>C on transcript NM_000038.6 (MANE Select); coding-DNA position 2155, G replaced by C.
Protein change: p.Ala719Pro; replaces alanine 719 with proline.
Molecular consequence: missense variant.
Genome position (GRCh38, 1-based): chr5:112,837,749, G>C. VCF-style: chr5-112837749-G-C. GRCh37 (hg19) VCF-style: chr5-112173446-G-C.
Other names: c.2155G>C (NM_000038.5); c.2080G>C, p.Ala694Pro (NM_001354898.2); c.2071G>C, p.Ala691Pro (NM_001354899.2); c.2032G>C, p.Ala678Pro (NM_001354900.2); c.1978G>C, p.Ala660Pro (NM_001354901.2); c.1882G>C, p.Ala628Pro (NM_001354902.2); c.1852G>C, p.Ala618Pro (NM_001354903.2); c.1777G>C, p.Ala593Pro (NM_001354904.2); and 6 more; short protein forms A436P, A559P, A593P, A618P, A628P, A660P, A678P, A691P.
Identifiers: ClinVar variation 1057433 (VCV001057433.12), dbSNP rs1380087059, ClinGen allele CA16026050.